The following is an entry in ClinVar:

ClinVar aggregate classification (germline): Uncertain significance (1 of 4 stars; one submission).

Submission:

Ambry Genetics
Classification: Uncertain significance. Last evaluated: 2025-07-28. Review status: criteria provided, single submitter. Criteria: Ambry Variant Classification Scheme 2023. Collection method: clinical testing. Allele origin: germline.
Comment: The p.G25W variant (also known as c.73G>T), located in coding exon 1 of the MC1R gene, results from a G to T substitution at nucleotide position 73. The glycine at codon 25 is replaced by tryptophan, an amino acid with highly dissimilar properties. This amino acid position is conserved. In addition, this alteration is predicted to be tolerated by in silico analysis. Based on the available evidence, the clinical significance of this variant remains unclear.

NM_002386.4(MC1R):c.73G>T (p.Gly25Trp)

Gene: MC1R (melanocortin 1 receptor; plus strand). Cytogenetic location: 16q24.3.
Variant type: single nucleotide variant.
Coding change: c.73G>T on transcript NM_002386.4 (MANE Select); coding-DNA position 73, G replaced by T.
Protein change: p.Gly25Trp; replaces glycine 25 with tryptophan.
Molecular consequence: missense variant.
Genome position (GRCh38, 1-based): chr16:89,919,331, G>T. VCF-style: chr16-89919331-G-T. GRCh37 (hg19) VCF-style: chr16-89985739-G-T.
Other names: short protein forms G25W.
Identifiers: ClinVar variation 4104864 (VCV004104864.1).